The following is an entry in ClinVar:

NM_004082.5(DCTN1):c.2353C>T (p.Arg785Trp)

Gene: DCTN1 (dynactin subunit 1; minus strand). Cytogenetic location: 2p13.1.
Variant type: single nucleotide variant.
Coding change: c.2353C>T on transcript NM_004082.5 (MANE Select); coding-DNA position 2353, C replaced by T.
Protein change: p.Arg785Trp; replaces arginine 785 with tryptophan.
Molecular consequence: missense variant. On other transcripts: non-coding transcript variant (1).
Genome position (GRCh38, 1-based): chr2:74,366,896, G>A on the plus strand (C>T on the coding strand, the complement: DCTN1 is on the minus strand). VCF-style: chr2-74366896-G-A. GRCh37 (hg19) VCF-style: chr2-74594023-G-A.
Other names: c.2293C>T, p.Arg765Trp (NM_001135040.3); c.1951C>T, p.Arg651Trp (NM_001135041.3, NM_023019.4); c.2242C>T, p.Arg748Trp (NM_001190836.2); c.2332C>T, p.Arg778Trp (NM_001190837.2); c.2302C>T, p.Arg768Trp (NM_001378991.1); c.2284C>T, p.Arg762Trp (NM_001378992.1); short protein forms R785W, R651W, R748W, R778W, R765W, R762W, R768W.
Identifiers: ClinVar variation 8404 (VCV000008404.27), dbSNP rs121909344, ClinGen allele CA119587.
Genomic context (GRCh38, chr2:74,366,896, plus strand): 5'-TTCGCCTTCGGATCTTCTTGCAGAACTGGCGGATGTCACTGCATGAAGTTTCCAGATCCC[G>A]GAGCAGGAGGGCAATATCTGTAGCCTCCTGCCCACCCTACTCAGGAAAAAGAAAATGGAT-3'
Protein context (NP_004073.2, residues 775-795): QEATDIALLL[Arg785Trp]DLETSCSDIR

ClinVar aggregate classification (germline): Conflicting classifications of pathogenicity. Review status: criteria provided, conflicting classifications (1 of 4 stars). 15 submissions from 14 submitters: Uncertain significance (6); Likely benign (3). 6 of the submissions do not count toward it. Last evaluated 2025-11-13.

Conditions:
Inborn genetic diseases. Identifiers: MedGen C0950123, MeSH D030342.
DCTN1-related disorder. Also called: DCTN1-related condition.
Charcot-Marie-Tooth disease. Also called: Charcot-Marie-Tooth Neuropathy; Charcot-Marie-Tooth Hereditary Neuropathy. Identifiers: Orphanet 166, MedGen C0007959, MONDO:0015626.
Amyotrophic lateral sclerosis type 1 (ALS1). Also called: AMYOTROPHIC LATERAL SCLEROSIS 1, FAMILIAL. Identifiers: Orphanet 803, MedGen C1862939, MONDO:0007103, OMIM 105400.
Perry syndrome. Also called: PARKINSONISM WITH ALVEOLAR HYPOVENTILATION AND MENTAL DEPRESSION. Identifiers: Orphanet 178509, MedGen C1868594, MONDO:0008201, OMIM 168605.
Neuronopathy, distal hereditary motor, type 7B. Also called: NEURONOPATHY, DISTAL HEREDITARY MOTOR, AUTOSOMAL DOMINANT 14; NEURONOPATHY, DISTAL HEREDITARY MOTOR, HARDING TYPE VIIB; NEUROPATHY, DISTAL HEREDITARY MOTOR, HARDING TYPE VIIB; NEUROPATHY, DISTAL HEREDITARY MOTOR, WITH VOCAL CORD PARALYSIS, HARDING TYPE VIIB; LOWER MOTOR NEURON DISEASE, DYNACTIN TYPE; HMN VIIB. Identifiers: Orphanet 139589, MedGen C1843315, MONDO:0011879, OMIM 607641.
Amyotrophic lateral sclerosis, susceptibility to. Identifiers: MedGen C4016314.

Allele frequency attached by ClinVar (database versions not stated): gnomAD 0.00010; gnomAD exomes 0.00019 and 0.00026; ExAC 0.00020; TOPMed 0.00036.
gnomAD v4.1: 414 of 1,614,076 alleles (0.026%); highest among the groups gnomAD compares: Admixed American, 0.037%; no homozygotes.

Submissions (15):

Women's Health and Genetics/Laboratory Corporation of America, LabCorp
Classification: Likely benign. Last evaluated: 2025-11-13. Review status: criteria provided, single submitter. Criteria: LabCorp Variant Classification Summary - May 2015. Collection method: clinical testing. Allele origin: germline.
Comment: Variant summary: DCTN1 c.2353C>T (p.Arg785Trp) results in a non-conservative amino acid change in the encoded protein sequence. Algorithms developed to predict the effect of missense changes on protein structure and function are either unavailable or do not agree on the potential impact of this missense change. The variant allele was found at a frequency of 0.00019 in 251444 control chromosomes (gnomAD). The observed variant frequency exceeds the estimated maximal expected allele frequency for disease-causing variants in DCTN1. The following publication has been ascertained in the context of this evaluation (PMID: 23143281). ClinVar contains an entry for this variant (Variation ID: 8404). Based on the evidence outlined above, the variant was classified as likely benign.

Labcorp Genetics (formerly Invitae), Labcorp
Classification: Likely benign for Amyotrophic lateral sclerosis type 1; Neuronopathy, distal hereditary motor, type 7B; Perry syndrome. Last evaluated: 2025-10-28. Review status: criteria provided, single submitter. Criteria: Invitae Variant Classification Sherloc (09022015). Collection method: clinical testing. Allele origin: germline.

GeneDx
Classification: Uncertain significance. Last evaluated: 2023-05-15. Review status: criteria provided, single submitter. Criteria: GeneDx Variant Classification Process June 2021. Collection method: clinical testing. Allele origin: germline. Affected: yes.
Comment: Reported previously in a patient with apparently sporadic ALS; however, no further clinical or family history information was provided (Mehta et al., 2019); Reported previously as a variant of uncertain significance in a patient with ALS; however, no further clinical or segregation information was provided (Shepheard et al., 2021); Reported previously in two siblings with probable ALS (one with upper limb onset and one with bulbar onset), and also seen in two unaffected family members (Mnch et al., 2004); Reported previously in a patient with ALS (further clinical information not provided) and in one control sample (Morgan et al., 2017); Published functional studies show that this variant does not have major differences in cell morphology (Stockmann et al., 2013; Dixit R et al., 2008); In silico analysis supports that this missense variant has a deleterious effect on protein structure/function; This variant is associated with the following publications: (PMID: 23447461, 23143281, 33924373, 20349096, 17911166, 31291987, 28235672, 28625595, 16765570, 17593875, 37168679, 19506225, 28792508, 26662454, 25025039, 25109764, 30270202, 33589474, 15326253, 28430856, 18812314)

Revvity Omics, Revvity
Classification: Uncertain significance. Last evaluated: 2022-01-20. Review status: criteria provided, single submitter. Criteria: ACMG Guidelines, 2015. Collection method: clinical testing. Allele origin: germline.

Ambry Genetics
Classification: Likely benign for Inborn genetic diseases. Last evaluated: 2021-07-26. Review status: criteria provided, single submitter. Criteria: Ambry Variant Classification Scheme 2023. Collection method: clinical testing. Allele origin: germline.

Mendelics
Classification: Uncertain significance for Amyotrophic lateral sclerosis type 1. Last evaluated: 2019-05-28. Review status: criteria provided, single submitter. Criteria: Mendelics Assertion Criteria 2017. Collection method: clinical testing. Allele origin: unknown.

Fulgent Genetics
Classification: Uncertain significance for Amyotrophic lateral sclerosis type 1; Perry syndrome; Neuronopathy, distal hereditary motor, type 7B. Last evaluated: 2018-10-31. Review status: criteria provided, single submitter. Criteria: ACMG Guidelines, 2015. Collection method: clinical testing. Allele origin: unknown.

Illumina Laboratory Services, Illumina
Classification: Uncertain significance for Neuronopathy, distal hereditary motor, type 7B. Last evaluated: 2017-04-27. Review status: criteria provided, single submitter. Criteria: ICSL Variant Classification Criteria 13 December 2019. Collection method: clinical testing. Allele origin: germline.

Illumina Laboratory Services, Illumina
Classification: Uncertain significance for Perry syndrome. Last evaluated: 2017-04-27. Review status: criteria provided, single submitter. Criteria: ICSL Variant Classification Criteria 13 December 2019. Collection method: clinical testing. Allele origin: germline.

PreventionGenetics, part of Exact Sciences
Classification: Likely benign for DCTN1-related condition. Last evaluated: 2022-08-24. Review status: no assertion criteria provided. Collection method: clinical testing. Allele origin: germline. Not counted in ClinVar's aggregate classification.
Comment: This variant is classified as likely benign based on ACMG/AMP sequence variant interpretation guidelines (Richards et al. 2015 PMID: 25741868, with internal and published modifications).

Inherited Neuropathy Consortium Ii, University Of Miami
Classification: Uncertain significance for Perry syndrome. Last evaluated: 2016-01-06. Review status: no assertion criteria provided. Collection method: literature only. Allele origin: germline. Affected: yes. Not counted in ClinVar's aggregate classification.

Dept. of Medical Genetics, Telemark Hospital Trust, Telemark Hospital Trust
Classification: Uncertain significance for Charcot-Marie-Tooth disease. Last evaluated: 2013-11-01. Review status: no assertion criteria provided. Collection method: research. Allele origin: unknown. Affected: yes. Study: Charcot-Marie-Tooth disease study. Not counted in ClinVar's aggregate classification.
Comment: Populational based study of Charcot-Marie-Tooth disease in Norway

OMIM
Classification: risk factor for AMYOTROPHIC LATERAL SCLEROSIS, SUSCEPTIBILITY TO. Last evaluated: 2004-08-24. Review status: no assertion criteria provided. Collection method: literature only. Allele origin: germline. Not counted in ClinVar's aggregate classification.

Clinical Genetics DNA and cytogenetics Diagnostics Lab, Erasmus MC, Erasmus Medical Center
Classification: Uncertain significance. Review status: no assertion criteria provided. Collection method: clinical testing. Allele origin: germline. Affected: yes. Study: VKGL Data-share Consensus. Not counted in ClinVar's aggregate classification.

Laboratory of Diagnostic Genome Analysis, Leiden University Medical Center (LUMC)
Classification: Uncertain significance. Review status: no assertion criteria provided. Collection method: clinical testing. Allele origin: germline. Affected: yes. Study: VKGL Data-share Consensus. Not counted in ClinVar's aggregate classification.

Literature cited by the submitters: PubMed 23143281 (cited by Women's Health and Genetics/Laboratory Corporation of America, LabCorp); PubMed 18812314 (cited by Ambry Genetics); PubMed 15326253 (cited by Inherited Neuropathy Consortium Ii, University Of Miami and OMIM); PubMed 25025039 (cited by Dept. of Medical Genetics, Telemark Hospital Trust, Telemark Hospital Trust); PMC 4306395 (cited by Dept. of Medical Genetics, Telemark Hospital Trust, Telemark Hospital Trust).